The following is an entry in ClinVar:

NM_014391.3(ANKRD1):c.750+2T>C

Gene: ANKRD1 (ankyrin repeat domain 1; minus strand). Cytogenetic location: 10q23.31.
Variant type: single nucleotide variant.
Coding change: c.750+2T>C on transcript NM_014391.3 (MANE Select); the canonical splice donor site of the intron after coding-DNA position 750, T replaced by C.
Molecular consequence: splice donor variant.
Genome position (GRCh38, 1-based): chr10:90,915,780, A>G on the plus strand (T>C on the coding strand, the complement: ANKRD1 is on the minus strand). VCF-style: chr10-90915780-A-G. GRCh37 (hg19) VCF-style: chr10-92675537-A-G.
Other names: c.750+2T>C (NM_014391.2).
Identifiers: ClinVar variation 1307449 (VCV001307449.3), dbSNP rs112511807, ClinGen allele CA5598630.

ClinVar aggregate classification (germline): Uncertain significance. Review status: criteria provided, multiple submitters, no conflicts (2 of 4 stars). 2 submissions from 2 submitters: Uncertain significance (2). Last evaluated 2025-10-27.

Conditions:
Cardiovascular phenotype. Identifiers: MedGen CN230736.

Allele frequency attached by ClinVar (database versions not stated): gnomAD exomes 0.00002; gnomAD 0.00001; ExAC 0.00002; TOPMed 0.00004.

Submissions (2):

Ambry Genetics
Classification: Uncertain significance for Cardiovascular phenotype. Last evaluated: 2025-10-27. Review status: criteria provided, single submitter. Criteria: Ambry Variant Classification Scheme 2023. Collection method: clinical testing. Allele origin: germline.
Comment: The c.750+2T>C intronic variant results from a T to C substitution two nucleotides after coding exon 7 in the ANKRD1 gene. This nucleotide position is highly conserved in available vertebrate species. In silico splice site analysis predicts that this alteration will weaken the native splice donor site. The evidence for this gene-disease relationship is limited; therefore, the clinical significance of this alteration is unclear.

GeneDx
Classification: Uncertain significance. Last evaluated: 2019-07-30. Review status: criteria provided, single submitter. Criteria: GeneDx Variant Classification Process June 2021. Collection method: clinical testing. Allele origin: germline. Affected: yes.
Comment: Has not been previously published as pathogenic or benign to our knowledge; Canonical splice site variant in a gene for which loss-of-function is not a known mechanism of disease